The following is an entry in ClinVar:

NM_182961.4(SYNE1):c.14335G>A (p.Ala4779Thr)

Gene: SYNE1 (spectrin repeat containing nuclear envelope protein 1; minus strand). Cytogenetic location: 6q25.2.
Variant type: single nucleotide variant.
Coding change: c.14335G>A on transcript NM_182961.4 (MANE Select); coding-DNA position 14335, G replaced by A.
Protein change: p.Ala4779Thr; replaces alanine 4779 with threonine.
Molecular consequence: missense variant.
Genome position (GRCh38, 1-based): chr6:152,330,350, C>T on the plus strand (G>A on the coding strand, the complement: SYNE1 is on the minus strand). VCF-style: chr6-152330350-C-T. GRCh37 (hg19) VCF-style: chr6-152651485-C-T.
Other names: c.14122G>A, p.Ala4708Thr (NM_033071.5); c.14122G>A (NM_033071.3); short protein forms A4708T, A4779T.
Identifiers: ClinVar variation 1004821 (VCV001004821.7), dbSNP rs368490158, ClinGen allele CA4056022.

ClinVar aggregate classification (germline): Uncertain significance. Review status: criteria provided, multiple submitters, no conflicts (2 of 4 stars). 2 submissions from 2 submitters: Uncertain significance (2). Last evaluated 2024-07-01.

Conditions:
Autosomal recessive ataxia, Beauce type. Also called: ATAXIA, RECESSIVE, OF BEAUCE; Spinocerebellar ataxia, autosomal recessive 8; SYNE1-Related Autosomal Recessive Cerebellar Ataxia; SYNE1 Deficiency. Identifiers: Orphanet 88644, MedGen C1853116, MONDO:0012549, OMIM 610743.
Emery-Dreifuss muscular dystrophy 4, autosomal dominant (EDMD4). Also called: EMERY-DREIFUSS MUSCULAR DYSTROPHY 4 WITH VARIABLE FEATURES. Identifiers: Orphanet 261, MedGen C2751807, MONDO:0013071, OMIM 612998.

Allele frequency attached by ClinVar (database versions not stated): TOPMed 0.00003; 1000 Genomes Project 30x 0.00016; 1000 Genomes Project 0.00020.
gnomAD v4.1: 25 of 1,614,142 alleles (0.0015%); highest among the groups gnomAD compares: East Asian, 0.027%; no homozygotes.

Submissions (2):

Labcorp Genetics (formerly Invitae), Labcorp
Classification: Uncertain significance for Emery-Dreifuss muscular dystrophy 4, autosomal dominant; Autosomal recessive ataxia, Beauce type. Last evaluated: 2024-07-01. Review status: criteria provided, single submitter. Criteria: Invitae Variant Classification Sherloc (09022015). Collection method: clinical testing. Allele origin: germline.
Comment: This sequence change replaces alanine, which is neutral and non-polar, with threonine, which is neutral and polar, at codon 4708 of the SYNE1 protein (p.Ala4708Thr). This variant is present in population databases (rs368490158, gnomAD 0.03%). This variant has not been reported in the literature in individuals affected with SYNE1-related conditions. ClinVar contains an entry for this variant (Variation ID: 1004821). Algorithms developed to predict the effect of missense changes on protein structure and function output the following: SIFT: "Not Available"; PolyPhen-2: "Benign"; Align-GVGD: "Not Available". The threonine amino acid residue is found in multiple mammalian species, which suggests that this missense change does not adversely affect protein function. In summary, the available evidence is currently insufficient to determine the role of this variant in disease. Therefore, it has been classified as a Variant of Uncertain Significance.

Revvity Omics, Revvity
Classification: Uncertain significance. Last evaluated: 2024-03-05. Review status: criteria provided, single submitter. Criteria: ACMG Guidelines, 2015. Collection method: clinical testing. Allele origin: germline.